The following is an entry in ClinVar:

ClinVar aggregate classification (germline): Uncertain significance (1 of 4 stars; one submission).

Submission:

CeGaT Center for Human Genetics Tuebingen
Classification: Uncertain significance. Last evaluated: 2024-08-01. Review status: criteria provided, single submitter. Criteria: CeGaT Center For Human Genetics Tuebingen Variant Classification Criteria Version 2. Collection method: clinical testing. Allele origin: germline. Affected: yes. Observed: 1 variant allele.
Comment: LZTR1: PM2

NM_006767.4(LZTR1):c.590C>A (p.Ala197Asp)

Gene: LZTR1 (leucine zipper like post translational regulator 1; plus strand). Cytogenetic location: 22q11.21.
Variant type: single nucleotide variant.
Coding change: c.590C>A on transcript NM_006767.4 (MANE Select); coding-DNA position 590, C replaced by A.
Protein change: p.Ala197Asp; replaces alanine 197 with aspartic acid.
Molecular consequence: missense variant.
Genome position (GRCh38, 1-based): chr22:20,988,869, C>A. VCF-style: chr22-20988869-C-A. GRCh37 (hg19) VCF-style: chr22-21343158-C-A.
Other names: short protein forms A197D.
Identifiers: ClinVar variation 3342212 (VCV003342212.16).
Genomic context (GRCh38, chr22:20,988,869, plus strand): 5'-CCCATGGGGCCACGGTGTACAGTGACAAGCTGTGGATCTTTGCTGGCTATGACGGCAACG[C>A]CAGGTGGGTGGTGGTCCGGCCTGTGCACCCCACCTCCGACAGCACTGAGACCCGGAGCAG-3'
Protein context (NP_006758.2, residues 187-207): LWIFAGYDGN[Ala197Asp]RLNDMWTIGL